The following is an entry in ClinVar:

NM_004629.2(FANCG):c.1162C>T (p.Pro388Ser)

Gene: FANCG (FA complementation group G; minus strand). Cytogenetic location: 9p13.3.
Variant type: single nucleotide variant.
Coding change: c.1162C>T on transcript NM_004629.2 (MANE Select); coding-DNA position 1162, C replaced by T.
Protein change: p.Pro388Ser; replaces proline 388 with serine.
Molecular consequence: missense variant.
Genome position (GRCh38, 1-based): chr9:35,075,736, G>A on the plus strand (C>T on the coding strand, the complement: FANCG is on the minus strand). VCF-style: chr9-35075736-G-A. GRCh37 (hg19) VCF-style: chr9-35075733-G-A.
Other names: short protein forms P388S.
Identifiers: ClinVar variation 4022550 (VCV004022550.1).

ClinVar aggregate classification (germline): Uncertain significance (1 of 4 stars; one submission).

Conditions:
Inborn genetic diseases. Identifiers: MedGen C0950123, MeSH D030342.

Submission:

Ambry Genetics
Classification: Uncertain significance for Inborn genetic diseases. Last evaluated: 2025-06-06. Review status: criteria provided, single submitter. Criteria: Ambry Variant Classification Scheme 2023. Collection method: clinical testing. Allele origin: germline.
Comment: The p.P388S variant (also known as c.1162C>T), located in coding exon 10 of the FANCG gene, results from a C to T substitution at nucleotide position 1162. The proline at codon 388 is replaced by serine, an amino acid with similar properties. This amino acid position is conserved. In addition, this alteration is predicted to be tolerated by in silico analysis. Based on the available evidence, the clinical significance of this variant remains unclear.